The following is an entry in ClinVar:

ClinVar aggregate classification (germline): Pathogenic. Review status: criteria provided, multiple submitters, no conflicts (2 of 4 stars). 3 submissions from 3 submitters: Pathogenic (2). 1 of the submissions does not count toward it. Last evaluated 2023-11-17.

Conditions:
Methylmalonic acidemia (MMA). Also called: Isolated Methylmalonic Acidemia. Identifiers: MedGen C0268583, MeSH C537358, MONDO:0002012, HP:0002912.
Methylmalonic aciduria due to methylmalonyl-CoA mutase deficiency (MAMM). Also called: Methylmalonic aciduria, mut type. Identifiers: Orphanet 27, MedGen C1855114, MONDO:0009612, OMIM 251000.

Allele frequency attached by ClinVar (database versions not stated): gnomAD exomes below 0.00001; ExAC 0.00001.

Submissions (3):

Labcorp Genetics (formerly Invitae), Labcorp
Classification: Pathogenic. Last evaluated: 2023-11-17. Review status: criteria provided, single submitter. Criteria: Invitae Variant Classification Sherloc (09022015). Collection method: clinical testing. Allele origin: germline.
Comment: This sequence change creates a premature translational stop signal (p.Gln7*) in the MUT gene. It is expected to result in an absent or disrupted protein product. Loss-of-function variants in MUT are known to be pathogenic (PMID: 15781192). This variant is present in population databases (rs761773115, gnomAD 0.0009%). This premature translational stop signal has been observed in individuals with methylmalonic aciduria (PMID: 15643616, 17957493). ClinVar contains an entry for this variant (Variation ID: 218984). For these reasons, this variant has been classified as Pathogenic.

Women's Health and Genetics/Laboratory Corporation of America, LabCorp
Classification: Pathogenic for Methylmalonic acidemia. Last evaluated: 2021-02-06. Review status: criteria provided, single submitter. Criteria: LabCorp Variant Classification Summary - May 2015. Collection method: clinical testing. Allele origin: germline.
Comment: Variant summary: MUT c.19C>T (p.Gln7X) results in a premature termination codon, predicted to cause a truncation of the encoded protein or absence of the protein due to nonsense mediated decay, which are commonly known mechanisms for disease. Truncations downstream of this position have been classified as pathogenic by our laboratory. The variant allele was found at a frequency of 4e-06 in 250232 control chromosomes. c.19C>T has been reported in the literature in individuals affected with Methylmalonic Acidemia and has been subsequently cited by others (example, Acquaviva_2005, Merinero_2008, Froese_2010, Imtiaz_2016, Chu_2016). One submitter (Gene Reviews) has provided clinical-significance assessments for this variant to ClinVar after 2014 and classified the variant as pathogenic. Based on the evidence outlined above, the variant was classified as pathogenic.

GeneReviews
No classification provided. Condition: Methylmalonic aciduria due to methylmalonyl-CoA mutase deficiency. Review status: no classification provided. Collection method: literature only. Allele origin: germline. Affected: yes. Not counted in ClinVar's aggregate classification.
Comment: mut(0) enzymatic subtype when homozygous

Literature cited by the submitters: PubMed 15781192 (cited by Labcorp Genetics (formerly Invitae), Labcorp); PubMed 15643616 (cited by 3 submitters); PubMed 17957493 (cited by Labcorp Genetics (formerly Invitae), Labcorp and Women's Health and Genetics/Laboratory Corporation of America, LabCorp); PubMed 26615597 (cited by Women's Health and Genetics/Laboratory Corporation of America, LabCorp); PubMed 27233228 (cited by Women's Health and Genetics/Laboratory Corporation of America, LabCorp); PubMed 21114891 (cited by Women's Health and Genetics/Laboratory Corporation of America, LabCorp); NCBI Bookshelf NBK1231 (cited by GeneReviews).

NM_000255.4(MMUT):c.19C>T (p.Gln7Ter)

Gene: MMUT (methylmalonyl-CoA mutase; minus strand). Cytogenetic location: 6p12.3.
Variant type: single nucleotide variant.
Coding change: c.19C>T on transcript NM_000255.4 (MANE Select); coding-DNA position 19, C replaced by T.
Protein change: p.Gln7Ter; replaces glutamine 7 with a stop codon.
Molecular consequence: nonsense.
Genome position (GRCh38, 1-based): chr6:49,459,448, G>A on the plus strand (C>T on the coding strand, the complement: MMUT is on the minus strand). VCF-style: chr6-49459448-G-A. GRCh37 (hg19) VCF-style: chr6-49427161-G-A.
Other names: short protein forms Q7*.
Identifiers: ClinVar variation 218984 (VCV000218984.6), dbSNP rs761773115, ClinGen allele CA347859.